The following is an entry in ClinVar:

ClinVar aggregate classification (germline): Likely benign (0 of 4 stars; one submission).

Conditions:
CFAP69-related disorder. Also called: CFAP69-related condition.

Allele frequency attached by ClinVar (database versions not stated): ExAC 0.00006; gnomAD 0.00012; TOPMed 0.00013; gnomAD exomes 0.00014.
gnomAD v4.1: 208 of 1,542,252 alleles (0.013%); highest among the groups gnomAD compares: Non-Finnish European, 0.018%; no homozygotes.

Submission:

PreventionGenetics, part of Exact Sciences
Classification: Likely benign for CFAP69-related condition. Last evaluated: 2019-03-06. Review status: no assertion criteria provided. Collection method: clinical testing. Allele origin: germline.
Comment: This variant is classified as likely benign based on ACMG/AMP sequence variant interpretation guidelines (Richards et al. 2015 PMID: 25741868, with internal and published modifications).

NM_001039706.3(CFAP69):c.-7A>C

Gene: CFAP69 (cilia and flagella associated protein 69; plus strand). Cytogenetic location: 7q21.13.
Variant type: single nucleotide variant.
Coding change: c.-7A>C on transcript NM_001039706.3 (MANE Select); 7 bases upstream of the start codon, A replaced by C.
Molecular consequence: 5 prime UTR variant.
Genome position (GRCh38, 1-based): chr7:90,245,418, A>C. VCF-style: chr7-90245418-A-C. GRCh37 (hg19) VCF-style: chr7-89874732-A-C.
Other names: c.-7A>C (NM_001160138.2, NM_001363438.1).
Identifiers: ClinVar variation 3058348 (VCV003058348.2), dbSNP rs754902261, ClinGen allele CA4333142.